The following is an entry in ClinVar:

NM_001372.4(DNAH9):c.10381C>T (p.Arg3461Cys)

Genes: DNAH9 (dynein axonemal heavy chain 9; plus strand), LOC101928350 (uncharacterized LOC101928350; minus strand). Cytogenetic location: 17p12.
Variant type: single nucleotide variant.
Coding change: c.10381C>T on transcript NM_001372.4 (MANE Select); coding-DNA position 10381, C replaced by T.
Protein change: p.Arg3461Cys; replaces arginine 3461 with cysteine.
Molecular consequence: missense variant. On other transcripts: non-coding transcript variant (1).
Genome position (GRCh38, 1-based): chr17:11,875,087, C>T. VCF-style: chr17-11875087-C-T. GRCh37 (hg19) VCF-style: chr17-11778404-C-T.
Other names: short protein forms R3461C.
Identifiers: ClinVar variation 3272951 (VCV003272951.3).
Genomic context (GRCh38, chr17:11,875,087, plus strand): 5'-GAGGGCCTCCCAGCCGACCGCATGTCCGTGGAGAATGCCACCATTCTCATCAACTGTGAG[C>T]GCTGGCCACTCATGGTTGACCCTCAGCTACAAGGCATCAAATGGATCAAGAATAAATATG-3'
Protein context (NP_001363.2, residues 3451-3471): ENATILINCE[Arg3461Cys]WPLMVDPQLQ

ClinVar aggregate classification (germline): Uncertain significance. Review status: criteria provided, multiple submitters, no conflicts (2 of 4 stars). 3 submissions from 3 submitters: Uncertain significance (3). Last evaluated 2025-04-29.

Conditions:
Inborn genetic diseases. Identifiers: MedGen C0950123, MeSH D030342.
Primary ciliary dyskinesia 3. Identifiers: Orphanet 244, MedGen C1837618, MONDO:0012085, OMIM 608644.

gnomAD v4.1: 139 of 1,613,996 alleles (0.0086%); highest among the groups gnomAD compares: Non-Finnish European, 0.01%; no homozygotes.

Submissions (3):

Johns Hopkins Genomics, Johns Hopkins University
Classification: Uncertain significance for Primary ciliary dyskinesia 3. Last evaluated: 2025-04-29. Review status: criteria provided, single submitter. Criteria: ACMG Guidelines, 2015. Collection method: clinical testing. Allele origin: germline.
Comment: This DNAH9 missense variant (rs751362002) is rare (<0.1%) in a large population dataset (gnomADv4.1.0: 139/1613996 total alleles; 0.008612%; no homozygotes) and has been reported in ClinVar (Variation ID: 3272951). It has not been reported in the literature in individuals with primary ciliary dyskinesia 40, to our knowledge. Three bioinformatics tools queried predict that the substitution would be tolerated. The arginine residue at this position is evolutionarily conserved across all species assessed. A single bioinformatics tool predicts that this variant may create a cryptic donor splice site and affect normal exon 53 splicing, although this has not been confirmed experimentally to our knowledge. We consider the clinical significance of DNAH9 c.10381C>T to be uncertain at this time.

Ambry Genetics
Classification: Uncertain significance for Inborn genetic diseases. Last evaluated: 2024-03-30. Review status: criteria provided, single submitter. Criteria: Ambry Variant Classification Scheme 2023. Collection method: clinical testing. Allele origin: germline.

Blueprint Genetics
Classification: Uncertain significance. Last evaluated: 2022-11-18. Review status: criteria provided, single submitter. Criteria: ACMG Guidelines, 2015. Collection method: clinical testing. Allele origin: germline.

Literature cited by the submitters: PubMed 35050399 (cited by Johns Hopkins Genomics, Johns Hopkins University).